The following is an entry in ClinVar:

NM_002224.4(ITPR3):c.5675T>C (p.Leu1892Pro)

Gene: ITPR3 (inositol 1,4,5-trisphosphate receptor type 3; plus strand). Cytogenetic location: 6p21.31.
Variant type: single nucleotide variant.
Coding change: c.5675T>C on transcript NM_002224.4 (MANE Select); coding-DNA position 5675, T replaced by C.
Protein change: p.Leu1892Pro; replaces leucine 1892 with proline.
Molecular consequence: missense variant.
Genome position (GRCh38, 1-based): chr6:33,686,060, T>C. VCF-style: chr6-33686060-T-C. GRCh37 (hg19) VCF-style: chr6-33653837-T-C.
Other names: short protein forms L1892P.
Identifiers: ClinVar variation 4856321 (VCV004856321.1).
Genomic context (GRCh38, chr6:33,686,060, plus strand): 5'-CCTCCCTCTCCGTGCTGTAGCTGTGCTGTGCCCAACCCTTCTGTGCCCCGCAGAACTTCC[T>C]GCGCTGTCAGAACAACAAAACCAACTACAACTTGGTATGCGAGACGCTGCAGTTCCTGGA-3'
Protein context (NP_002215.2, residues 1882-1902): ENHNRDLQNF[Leu1892Pro]RCQNNKTNYN

ClinVar aggregate classification (germline): Uncertain significance (1 of 4 stars; one submission).

Conditions:
Charcot-Marie-Tooth disease, demyelinating, type 1J. Also called: CHARCOT-MARIE-TOOTH NEUROPATHY, DEMYELINATING, TYPE 1J. Identifiers: MedGen C5774249, MONDO:0859311, OMIM 620111.

Submission:

3billion
Classification: Uncertain significance for Charcot-Marie-Tooth disease, demyelinating, type 1J. Last evaluated: 2025-07-15. Review status: criteria provided, single submitter. Criteria: ACMG Guidelines, 2015. Collection method: clinical testing. Allele origin: germline. Affected: yes.
Comment: The variant is not observed in the gnomAD v4.1.0 dataset. Predicted Consequence/Location: Missense variant. Missense changes are a common disease-causing mechanism. In silico tool predictions suggest damaging effect of the variant on gene or gene product [REVEL: 0.99 (>=0.6, sensitivity 0.68 and specificity 0.92); 3Cnet: 0.92 (> 0.75, sensitivity 0.96 and precision 0.92)]. Therefore, this variant is classified as VUS according to the recommendation of ACMG/AMP guideline.